The following is an entry in ClinVar:

ClinVar aggregate classification (germline): Uncertain significance (1 of 4 stars; one submission).

Conditions:
Hypertrophic cardiomyopathy 12. Identifiers: MedGen C2677491, MONDO:0012804, OMIM 612124.
Dilated cardiomyopathy 1M (CMD1M). Identifiers: Orphanet 154, MedGen C1843808, MONDO:0011840, OMIM 607482.

Submission:

Labcorp Genetics (formerly Invitae), Labcorp
Classification: Uncertain significance for Hypertrophic cardiomyopathy 12; Dilated cardiomyopathy 1M. Last evaluated: 2023-12-30. Review status: criteria provided, single submitter. Criteria: Invitae Variant Classification Sherloc (09022015). Collection method: clinical testing. Allele origin: germline.
Comment: This sequence change replaces glutamic acid, which is acidic and polar, with glutamine, which is neutral and polar, at codon 131 of the CSRP3 protein (p.Glu131Gln). This variant is not present in population databases (gnomAD no frequency). This variant has not been reported in the literature in individuals affected with CSRP3-related conditions. An algorithm developed to predict the effect of missense changes on protein structure and function (PolyPhen-2) suggests that this variant is likely to be disruptive. In summary, the available evidence is currently insufficient to determine the role of this variant in disease. Therefore, it has been classified as a Variant of Uncertain Significance.

NM_003476.5(CSRP3):c.391G>C (p.Glu131Gln)

Gene: CSRP3 (cysteine and glycine rich protein 3; minus strand). Cytogenetic location: 11p15.1.
Variant type: single nucleotide variant.
Coding change: c.391G>C on transcript NM_003476.5 (MANE Select); coding-DNA position 391, G replaced by C.
Protein change: p.Glu131Gln; replaces glutamic acid 131 with glutamine.
Molecular consequence: missense variant. On other transcripts: synonymous variant (1).
Genome position (GRCh38, 1-based): chr11:19,186,239, C>G on the plus strand (G>C on the coding strand, the complement: CSRP3 is on the minus strand). VCF-style: chr11-19186239-C-G. GRCh37 (hg19) VCF-style: chr11-19207786-C-G.
Other names: c.391G>C, p.Glu131Gln (NM_001127656.1); c.222G>C, p.Leu74= (NM_001369404.1); short protein forms E131Q.
Identifiers: ClinVar variation 2921825 (VCV002921825.3), dbSNP rs2494220217, ClinGen allele CA379887876.
Genomic context (GRCh38, chr11:19,186,239, plus strand): 5'-TGAGCAAATTCTGTCTGGCTCATACAGAAGGTCTTACCTTGCCACCTCCCATAACCTTCT[C>G]AGCAGCATAGACTGACTTGCCACATCGAGGGCACTTCTCGGACTCTCCAAACTTCGCAGT-3'
Protein context (NP_003467.1, residues 121-141): PRCGKSVYAA[Glu131Gln]KVMGGGKPWH